The following is an entry in ClinVar:

NM_006017.3(PROM1):c.1273C>T (p.Pro425Ser)

Gene: PROM1 (prominin 1; minus strand). Cytogenetic location: 4p15.32.
Variant type: single nucleotide variant.
Coding change: c.1273C>T on transcript NM_006017.3 (MANE Select); coding-DNA position 1273, C replaced by T.
Protein change: p.Pro425Ser; replaces proline 425 with serine.
Molecular consequence: missense variant.
Genome position (GRCh38, 1-based): chr4:16,008,977, G>A on the plus strand (C>T on the coding strand, the complement: PROM1 is on the minus strand). VCF-style: chr4-16008977-G-A. GRCh37 (hg19) VCF-style: chr4-16010600-G-A.
Other names: c.1246C>T, p.Pro416Ser (NM_001145847.2, NM_001145848.2, NM_001145851.2 and 4 more transcripts); c.1273C>T, p.Pro425Ser (NM_001145849.2, NM_001145850.2); short protein forms P425S, P416S.
Identifiers: ClinVar variation 2988143 (VCV002988143.3), dbSNP rs765883344, ClinGen allele CA2866825.
Genomic context (GRCh38, chr4:16,008,977, plus strand): 5'-TCGTAGTTCACCAGCTCCAAGGAGACACTCACCAGTATGAATCATACTCTTCCAATGTAG[G>A]TAAATTTCTGTGGATGTAACTTTCAGTGTTATTAACATAAACAGAGAATGCTGAGAGTAT-3'
Protein context (NP_006008.1, residues 415-435): NTESYIHRNL[Pro425Ser]TLEEYDSYWW

ClinVar aggregate classification (germline): Uncertain significance (1 of 4 stars; one submission).

Allele frequency attached by ClinVar (database versions not stated): TOPMed below 0.00001; ExAC 0.00001.
gnomAD v4.1: 1 of 1,593,616 alleles (0.000063%); highest among the groups gnomAD compares: Non-Finnish European, 0.000086%; no homozygotes.

Submission:

Labcorp Genetics (formerly Invitae), Labcorp
Classification: Uncertain significance. Last evaluated: 2023-08-06. Review status: criteria provided, single submitter. Criteria: Invitae Variant Classification Sherloc (09022015). Collection method: clinical testing. Allele origin: germline.
Comment: This sequence change replaces proline, which is neutral and non-polar, with serine, which is neutral and polar, at codon 425 of the PROM1 protein (p.Pro425Ser). This variant is present in population databases (rs765883344, gnomAD 0.002%). This variant has not been reported in the literature in individuals affected with PROM1-related conditions. Advanced modeling of protein sequence and biophysical properties (such as structural, functional, and spatial information, amino acid conservation, physicochemical variation, residue mobility, and thermodynamic stability) performed at Invitae indicates that this missense variant is not expected to disrupt PROM1 protein function. In summary, the available evidence is currently insufficient to determine the role of this variant in disease. Therefore, it has been classified as a Variant of Uncertain Significance.